The following is an entry in ClinVar:

ClinVar aggregate classification (germline): Conflicting classifications of pathogenicity. Review status: criteria provided, conflicting classifications (1 of 4 stars). 2 submissions from 2 submitters: Uncertain significance (1); Likely benign (1). Last evaluated 2025-05-05.

Conditions:
Hereditary cancer-predisposing syndrome. Also called: Neoplastic Syndromes, Hereditary; Tumor predisposition; Hereditary Cancer Syndrome; Hereditary neoplastic syndrome. Identifiers: Orphanet 140162, MedGen C0027672, MeSH D009386, MONDO:0015356.
Hereditary nonpolyposis colorectal neoplasms. Identifiers: MedGen C0009405, MeSH D003123.

Submissions (2):

Ambry Genetics
Classification: Likely benign for Hereditary cancer-predisposing syndrome. Last evaluated: 2025-05-05. Review status: criteria provided, single submitter. Criteria: Ambry Variant Classification Scheme 2023. Collection method: clinical testing. Allele origin: germline.

Labcorp Genetics (formerly Invitae), Labcorp
Classification: Uncertain significance for Hereditary nonpolyposis colorectal neoplasms. Last evaluated: 2023-10-04. Review status: criteria provided, single submitter. Criteria: Invitae Variant Classification Sherloc (09022015). Collection method: clinical testing. Allele origin: germline.
Comment: This sequence change replaces isoleucine, which is neutral and non-polar, with valine, which is neutral and non-polar, at codon 225 of the MSH6 protein (p.Ile225Val). This variant is not present in population databases (gnomAD no frequency). This variant has not been reported in the literature in individuals affected with MSH6-related conditions. ClinVar contains an entry for this variant (Variation ID: 1755175). Advanced modeling of protein sequence and biophysical properties (such as structural, functional, and spatial information, amino acid conservation, physicochemical variation, residue mobility, and thermodynamic stability) performed at Invitae indicates that this missense variant is not expected to disrupt MSH6 protein function. In summary, the available evidence is currently insufficient to determine the role of this variant in disease. Therefore, it has been classified as a Variant of Uncertain Significance.

NM_000179.3(MSH6):c.673A>G (p.Ile225Val)

Gene: MSH6 (mutS homolog 6; plus strand). Cytogenetic location: 2p16.3.
Variant type: single nucleotide variant.
Coding change: c.673A>G on transcript NM_000179.3 (MANE Select); coding-DNA position 673, A replaced by G.
Protein change: p.Ile225Val; replaces isoleucine 225 with valine.
Molecular consequence: missense variant. On other transcripts: 5 prime UTR variant (2).
Genome position (GRCh38, 1-based): chr2:47,798,656, A>G. VCF-style: chr2-47798656-A-G. GRCh37 (hg19) VCF-style: chr2-48025795-A-G.
Other names: c.505A>G, p.Ile169Val (NM_001406826.1); c.376A>G, p.Ile126Val (NM_001406827.1, NM_001406828.1, NM_001406830.1 and 10 more transcripts); c.-234A>G (NM_001406829.1, NM_001281493.2, NM_001281494.2 and 6 more transcripts); c.283A>G, p.Ile95Val (NM_001281492.2); c.769A>G, p.Ile257Val (NM_001406795.1, NM_001406802.1); c.673A>G, p.Ile225Val (NM_001406796.1, NM_001406798.1, NM_001406800.1 and 4 more transcripts); c.148A>G, p.Ile50Val (NM_001406799.1, NM_001406806.1, NM_001406807.1); c.595A>G, p.Ile199Val (NM_001406804.1); and 1 more; short protein forms I126V, I199V, I227V, I257V, I169V, I50V, I225V, I95V.
Identifiers: ClinVar variation 1755175 (VCV001755175.6), dbSNP rs2104290341, ClinGen allele CA346739430.